The following is an entry in ClinVar:

NM_001122764.3(PPOX):c.97G>T (p.Val33Leu)

Gene: PPOX (protoporphyrinogen oxidase; plus strand). Cytogenetic location: 1q23.3.
Variant type: single nucleotide variant.
Coding change: c.97G>T on transcript NM_001122764.3 (MANE Select); coding-DNA position 97, G replaced by T.
Protein change: p.Val33Leu; replaces valine 33 with leucine.
Molecular consequence: missense variant. On other transcripts: 5 prime UTR variant (5).
Genome position (GRCh38, 1-based): chr1:161,167,109, G>T. VCF-style: chr1-161167109-G-T. GRCh37 (hg19) VCF-style: chr1-161136899-G-T.
Other names: c.97G>T, p.Val33Leu (NM_001365399.1, NM_000309.5, NM_001350128.2 and 1 more transcripts); c.-215G>T (NM_001365400.1); c.-274G>T (NM_001365401.1); c.-331G>T (NM_001350129.2); c.-422G>T (NM_001350130.2); c.-308G>T (NM_001350131.2); short protein forms V33L.
Identifiers: ClinVar variation 2840044 (VCV002840044.3), dbSNP rs745790472, ClinGen allele CA343350997.

ClinVar aggregate classification (germline): Uncertain significance (1 of 4 stars; one submission).

Submission:

Labcorp Genetics (formerly Invitae), Labcorp
Classification: Uncertain significance. Last evaluated: 2023-02-22. Review status: criteria provided, single submitter. Criteria: Invitae Variant Classification Sherloc (09022015). Collection method: clinical testing. Allele origin: germline.
Comment: This sequence change replaces valine, which is neutral and non-polar, with leucine, which is neutral and non-polar, at codon 33 of the PPOX protein (p.Val33Leu). This variant is not present in population databases (gnomAD no frequency). This variant has not been reported in the literature in individuals affected with PPOX-related conditions. Advanced modeling of protein sequence and biophysical properties (such as structural, functional, and spatial information, amino acid conservation, physicochemical variation, residue mobility, and thermodynamic stability) performed at Invitae indicates that this missense variant is not expected to disrupt PPOX protein function. In summary, the available evidence is currently insufficient to determine the role of this variant in disease. Therefore, it has been classified as a Variant of Uncertain Significance.